The following is an entry in ClinVar:

ClinVar aggregate classification (germline): Uncertain significance. Review status: criteria provided, multiple submitters, no conflicts (2 of 4 stars). 2 submissions from 2 submitters: Uncertain significance (2). Last evaluated 2022-02-23.

Submissions (2):

Labcorp Genetics (formerly Invitae), Labcorp
Classification: Uncertain significance. Last evaluated: 2022-02-23. Review status: criteria provided, single submitter. Criteria: Invitae Variant Classification Sherloc (09022015). Collection method: clinical testing. Allele origin: germline.
Comment: This sequence change replaces asparagine, which is neutral and polar, with isoleucine, which is neutral and non-polar, at codon 1019 of the ARHGEF18 protein (p.Asn1019Ile). This variant is not present in population databases (gnomAD no frequency). This variant has not been reported in the literature in individuals affected with ARHGEF18-related conditions. ClinVar contains an entry for this variant (Variation ID: 1059569). Algorithms developed to predict the effect of missense changes on protein structure and function are either unavailable or do not agree on the potential impact of this missense change (SIFT: "Deleterious"; PolyPhen-2: "Benign"; Align-GVGD: "Class C0"). In summary, the available evidence is currently insufficient to determine the role of this variant in disease. Therefore, it has been classified as a Variant of Uncertain Significance.

Blueprint Genetics
Classification: Uncertain significance. Last evaluated: 2020-05-07. Review status: criteria provided, single submitter. Criteria: ACMG Guidelines, 2015. Collection method: clinical testing. Allele origin: germline.

NM_001367823.1(ARHGEF18):c.3620A>T (p.Asn1207Ile)

Gene: ARHGEF18 (Rho/Rac guanine nucleotide exchange factor 18; plus strand). Cytogenetic location: 19p13.2.
Variant type: single nucleotide variant.
Coding change: c.3620A>T on transcript NM_001367823.1 (MANE Select); coding-DNA position 3620, A replaced by T.
Protein change: p.Asn1207Ile; replaces asparagine 1207 with isoleucine.
Molecular consequence: missense variant.
Genome position (GRCh38, 1-based): chr19:7,468,964, A>T. VCF-style: chr19-7468964-A-T. GRCh37 (hg19) VCF-style: chr19-7533850-A-T.
Other names: c.2894A>T, p.Asn965Ile (NM_001130955.2); c.2582A>T, p.Asn861Ile (NM_001367824.1, NM_015318.4); short protein forms N1207I, N861I, N965I.
Identifiers: ClinVar variation 1059569 (VCV001059569.10), dbSNP rs9329368, ClinGen allele CA403092919.
Genomic context (GRCh38, chr19:7,468,964, plus strand): 5'-TGGGGCCAGAGTACGCAGAGCGCCCCGAGGTGGCTCGCCGGGACAGCGCCCCCACCGAGA[A>T]CCGGCTGGCCAAGAGCGATGTGCCCATCCAGCTGCTCAGCGCCACCAACCAGTTCCAGAG-3'
Protein context (NP_001354752.1, residues 1197-1217): VARRDSAPTE[Asn1207Ile]RLAKSDVPIQ